The following is an entry in ClinVar:

ClinVar aggregate classification (germline): Uncertain significance (1 of 4 stars; one submission).

Conditions:
Mucopolysaccharidosis, MPS-III-D (MPS3D). Also called: N-ACETYLGLUCOSAMINE-6-SULFATASE DEFICIENCY; SANFILIPPO SYNDROME D; MPS III D; Mucopoly-saccharidosis type 3D; N-acetylglucosamine-6-sulfate sulfatase deficiency; MPS 3D. Identifiers: Orphanet 581, Orphanet 79272, MedGen C0086650, MONDO:0009658, OMIM 252940.

Allele frequency attached by ClinVar (database versions not stated): gnomAD exomes below 0.00001; TOPMed below 0.00001; ExAC 0.00001.
gnomAD v4.1: 1 of 1,613,564 alleles (0.000062%); highest among the groups gnomAD compares: Non-Finnish European, 0.000085%; no homozygotes.

Submission:

Labcorp Genetics (formerly Invitae), Labcorp
Classification: Uncertain significance for Mucopolysaccharidosis, MPS-III-D. Last evaluated: 2022-02-25. Review status: criteria provided, single submitter. Criteria: Invitae Variant Classification Sherloc (09022015). Collection method: clinical testing. Allele origin: germline.
Comment: This sequence change creates a premature translational stop signal (p.Cys518*) in the GNS gene. While this is not anticipated to result in nonsense mediated decay, it is expected to disrupt the last 35 amino acid(s) of the GNS protein. This variant is present in population databases (rs749857419, gnomAD 0.0009%). This variant has not been reported in the literature in individuals affected with GNS-related conditions. In summary, the available evidence is currently insufficient to determine the role of this variant in disease. Therefore, it has been classified as a Variant of Uncertain Significance.

NM_002076.4(GNS):c.1554T>A (p.Cys518Ter)

Gene: GNS (glucosamine (N-acetyl)-6-sulfatase; minus strand). Cytogenetic location: 12q14.3.
Variant type: single nucleotide variant.
Coding change: c.1554T>A on transcript NM_002076.4 (MANE Select); coding-DNA position 1554, T replaced by A.
Protein change: p.Cys518Ter; replaces cysteine 518 with a stop codon.
Molecular consequence: nonsense.
Genome position (GRCh38, 1-based): chr12:64,720,048, A>T on the plus strand (T>A on the coding strand, the complement: GNS is on the minus strand). VCF-style: chr12-64720048-A-T. GRCh37 (hg19) VCF-style: chr12-65113828-A-T.
Other names: short protein forms C518*.
Identifiers: ClinVar variation 2158018 (VCV002158018.1), dbSNP rs749857419, ClinGen allele CA6669637.